The following is an entry in ClinVar:

NM_000890.5(KCNJ5):c.366C>T (p.Gly122=)

Gene: KCNJ5 (potassium inwardly rectifying channel subfamily J member 5; plus strand). Cytogenetic location: 11q24.3.
Variant type: single nucleotide variant.
Coding change: c.366C>T on transcript NM_000890.5 (MANE Select); coding-DNA position 366, C replaced by T.
Protein change: p.Gly122=; no amino-acid change (glycine 122 retained).
Molecular consequence: synonymous variant.
Genome position (GRCh38, 1-based): chr11:128,911,639, C>T. VCF-style: chr11-128911639-C-T. GRCh37 (hg19) VCF-style: chr11-128781534-C-T.
Other names: c.366C>T, p.Gly122= (NM_001354169.2).
Identifiers: ClinVar variation 1262285 (VCV001262285.10), dbSNP rs375205252, ClinGen allele CA6357861.

ClinVar aggregate classification (germline): Likely benign. Review status: criteria provided, multiple submitters, no conflicts (2 of 4 stars). 4 submissions from 4 submitters: Likely benign (3). 1 of the submissions does not count toward it. Last evaluated 2024-08-05.

Conditions:
Cardiovascular phenotype. Identifiers: MedGen CN230736.
KCNJ5-related disorder. Also called: KCNJ5-related condition.
Long QT syndrome (LQTS). Identifiers: MedGen C0023976, MeSH D008133, MONDO:0002442. Disease mechanism: loss of function. Inheritance: Various modes of inheritance.

Allele frequency attached by ClinVar (database versions not stated): gnomAD 0.00004 and 0.00005; gnomAD exomes 0.00004 and 0.00006; ExAC 0.00007; ESP Exome Variant Server 0.00008.
gnomAD v4.1: 67 of 1,614,044 alleles (0.0042%); highest among the groups gnomAD compares: South Asian, 0.029%; 1 homozygote.

Submissions (4):

Labcorp Genetics (formerly Invitae), Labcorp
Classification: Likely benign for Long QT syndrome. Last evaluated: 2024-08-05. Review status: criteria provided, single submitter. Criteria: Invitae Variant Classification Sherloc (09022015). Collection method: clinical testing. Allele origin: germline.

Ambry Genetics
Classification: Likely benign for Cardiovascular phenotype. Last evaluated: 2023-03-03. Review status: criteria provided, single submitter. Criteria: Ambry Variant Classification Scheme 2023. Collection method: clinical testing. Allele origin: germline.

GeneDx
Classification: Likely benign. Last evaluated: 2018-10-01. Review status: criteria provided, single submitter. Criteria: GeneDx Variant Classification Process June 2021. Collection method: clinical testing. Allele origin: germline. Affected: yes.

PreventionGenetics, part of Exact Sciences
Classification: Likely benign for KCNJ5-related condition. Last evaluated: 2022-04-05. Review status: no assertion criteria provided. Collection method: clinical testing. Allele origin: germline. Not counted in ClinVar's aggregate classification.
Comment: This variant is classified as likely benign based on ACMG/AMP sequence variant interpretation guidelines (Richards et al. 2015 PMID: 25741868, with internal and published modifications).